The following is an entry in ClinVar:

ClinVar aggregate classification (germline): Uncertain significance. Review status: criteria provided, multiple submitters, no conflicts (2 of 4 stars). 2 submissions from 2 submitters: Uncertain significance (2). Last evaluated 2025-03-16.

Conditions:
Epidermolysis bullosa simplex with nail dystrophy (EBS5D). Identifiers: MedGen C4225309, MONDO:0014661, OMIM 616487.
Epidermolysis bullosa simplex, Ogna type (EBS5A). Also called: Pidermolysis bullosa simplex 5A, Ogna type; EPIDERMOLYSIS BULLOSA SIMPLEX 5A, OGNA TYPE. Identifiers: Orphanet 79401, MedGen C0432317, MONDO:0007555, OMIM 131950.
Epidermolysis bullosa simplex 5C, with pyloric atresia (EBS5C). Also called: PLEC1-Related Epidermolysis Bullosa with Pyloric Atresia; PLEC-Related Epidermolysis Bullosa with Pyloric Atresia; Epidermolysis bullosa simplex with pyloric atresia. Identifiers: Orphanet 158684, MedGen C2677349, MONDO:0012807, OMIM 612138.
Epidermolysis bullosa simplex 5B, with muscular dystrophy (EBS5B). Also called: EPIDERMOLYSIS BULLOSA SIMPLEX AND LIMB-GIRDLE MUSCULAR DYSTROPHY; Epidermolysis bullosa simplex with muscular dystrophy. Identifiers: Orphanet 257, MedGen C2931072, MONDO:0009181, OMIM 226670.
Autosomal recessive limb-girdle muscular dystrophy type 2Q (LGMDR17). Also called: MUSCULAR DYSTROPHY, LIMB-GIRDLE, AUTOSOMAL RECESSIVE 17. Identifiers: Orphanet 254361, MedGen C3150989, MONDO:0013390, OMIM 613723.

Allele frequency attached by ClinVar (database versions not stated): gnomAD exomes 0.00002 and 0.00004; ExAC 0.00004; gnomAD 0.00004 and 0.00005; TOPMed 0.00004.
gnomAD v4.1: 36 of 1,606,038 alleles (0.0022%); highest among the groups gnomAD compares: Middle Eastern, 0.016%; no homozygotes.

Submissions (2):

Labcorp Genetics (formerly Invitae), Labcorp
Classification: Uncertain significance for Autosomal recessive limb-girdle muscular dystrophy type 2Q; Epidermolysis bullosa simplex, Ogna type; Epidermolysis bullosa simplex with nail dystrophy; Epidermolysis bullosa simplex 5C, with pyloric atresia; Epidermolysis bullosa simplex 5B, with muscular dystrophy. Last evaluated: 2025-03-16. Review status: criteria provided, single submitter. Criteria: Invitae Variant Classification Sherloc (09022015). Collection method: clinical testing. Allele origin: germline.
Comment: This sequence change replaces glycine, which is neutral and non-polar, with serine, which is neutral and polar, at codon 3090 of the PLEC protein (p.Gly3090Ser). This variant is present in population databases (rs782820081, gnomAD 0.02%). This variant has not been reported in the literature in individuals affected with PLEC-related conditions. ClinVar contains an entry for this variant (Variation ID: 393209). An algorithm developed to predict the effect of missense changes on protein structure and function (PolyPhen-2) suggests that this variant is likely to be disruptive. In summary, the available evidence is currently insufficient to determine the role of this variant in disease. Therefore, it has been classified as a Variant of Uncertain Significance.

GeneDx
Classification: Uncertain significance. Last evaluated: 2017-01-31. Review status: criteria provided, single submitter. Criteria: GeneDx Variant Classification (06012015). Collection method: clinical testing. Allele origin: germline. Affected: yes.
Comment: The G3090S variant has not been published as a pathogenic variant, nor has it been reported as a benign variant to our knowledge. The G3090S variant is not observed at a significant frequency in large population cohorts (Lek et al., 2016; 1000 Genomes Consortium et al., 2015; Exome Variant Server). This variant is a non-conservative amino acid substitution, which is likely to impact secondary protein structure as these residues differ in polarity, charge, size and/or other properties. This substitution occurs at a position that is conserved in mammals; however, missense variants in nearby residues have not been reported in the Human Gene Mutation Database in association with PLEC-related disorders (Stenson et al., 2014). In silico analysis is inconsistent in its predictions as to whether or not the variant is damaging to the protein structure/function.

NM_201384.3(PLEC):c.9187G>A (p.Gly3063Ser)

Gene: PLEC (plectin; minus strand). Cytogenetic location: 8q24.3.
Variant type: single nucleotide variant.
Coding change: c.9187G>A on transcript NM_201384.3 (MANE Select); coding-DNA position 9187, G replaced by A.
Protein change: p.Gly3063Ser; replaces glycine 3063 with serine.
Molecular consequence: missense variant.
Genome position (GRCh38, 1-based): chr8:143,920,634, C>T on the plus strand (G>A on the coding strand, the complement: PLEC is on the minus strand). VCF-style: chr8-143920634-C-T. GRCh37 (hg19) VCF-style: chr8-144994802-C-T.
Other names: c.9268G>A, p.Gly3090Ser (NM_000445.5); c.9145G>A, p.Gly3049Ser (NM_201378.4); c.9121G>A, p.Gly3041Ser (NM_201379.3); c.9598G>A, p.Gly3200Ser (NM_201380.4); c.9091G>A, p.Gly3031Ser (NM_201381.3); c.9187G>A, p.Gly3063Ser (NM_201382.4); c.9199G>A, p.Gly3067Ser (NM_201383.3); short protein forms G3031S, G3041S, G3049S, G3063S, G3067S, G3090S, G3200S.
Identifiers: ClinVar variation 393209 (VCV000393209.10), dbSNP rs782820081, ClinGen allele CA4925047.